The following is an entry in ClinVar:

NM_001276270.2(MBD4):c.1062A>C (p.Glu354Asp)

Gene: MBD4 (methyl-CpG binding domain 4, DNA glycosylase; minus strand). Cytogenetic location: 3q21.3.
Variant type: single nucleotide variant.
Coding change: c.1062A>C on transcript NM_001276270.2 (MANE Select); coding-DNA position 1062, A replaced by C.
Protein change: p.Glu354Asp; replaces glutamic acid 354 with aspartic acid.
Molecular consequence: missense variant. On other transcripts: intron variant (1).
Genome position (GRCh38, 1-based): chr3:129,436,582, T>G on the plus strand (A>C on the coding strand, the complement: MBD4 is on the minus strand). VCF-style: chr3-129436582-T-G. GRCh37 (hg19) VCF-style: chr3-129155425-T-G.
Other names: c.1062A>C, p.Glu354Asp (NM_001276271.2, NM_001276272.2, NM_003925.3); c.247+1226A>C (NM_001276273.2); short protein forms E354D.
Identifiers: ClinVar variation 3679704 (VCV003679704.3).

ClinVar aggregate classification (germline): Uncertain significance. Review status: criteria provided, multiple submitters, no conflicts (2 of 4 stars). 2 submissions from 2 submitters: Uncertain significance (2). Last evaluated 2026-01-04.

Conditions:
Inborn genetic diseases. Identifiers: MedGen C0950123, MeSH D030342.

gnomAD v4.1: 3 of 1,614,088 alleles (0.00019%); highest among the groups gnomAD compares: Non-Finnish European, 0.00025%; no homozygotes.

Submissions (2):

Labcorp Genetics (formerly Invitae), Labcorp
Classification: Uncertain significance. Last evaluated: 2026-01-04. Review status: criteria provided, single submitter. Criteria: Invitae Variant Classification Sherloc (09022015). Collection method: clinical testing. Allele origin: germline.
Comment: This sequence change replaces glutamic acid, which is acidic and polar, with aspartic acid, which is acidic and polar, at codon 354 of the MBD4 protein (p.Glu354Asp). This variant is not present in population databases (gnomAD no frequency). This variant has not been reported in the literature in individuals affected with MBD4-related conditions. ClinVar contains an entry for this variant (Variation ID: 3679704). An algorithm developed to predict the effect of missense changes on protein structure and function outputs the following: PolyPhen-2: "Benign". The aspartic acid amino acid residue is found in multiple mammalian species, which suggests that this missense change does not adversely affect protein function. In summary, the available evidence is currently insufficient to determine the role of this variant in disease. Therefore, it has been classified as a Variant of Uncertain Significance.

Ambry Genetics
Classification: Uncertain significance for Inborn genetic diseases. Last evaluated: 2025-01-05. Review status: criteria provided, single submitter. Criteria: Ambry Variant Classification Scheme 2023. Collection method: clinical testing. Allele origin: germline.
Comment: The p.E354D variant (also known as c.1062A>C), located in coding exon 3 of the MBD4 gene, results from an A to C substitution at nucleotide position 1062. The glutamic acid at codon 354 is replaced by aspartic acid, an amino acid with highly similar properties. This amino acid position is conserved. In addition, this alteration is predicted to be tolerated by in silico analysis. Based on the available evidence, the clinical significance of this variant remains unclear.